The following is an entry in ClinVar:

ClinVar aggregate classification (germline): Uncertain significance. Review status: criteria provided, multiple submitters, no conflicts (2 of 4 stars). 3 submissions from 3 submitters: Uncertain significance (3). Last evaluated 2025-11-16.

Conditions:
Cardiovascular phenotype. Identifiers: MedGen CN230736.
Progressive familial heart block type IB (PFHB1B). Identifiers: Orphanet 871, MedGen C1970298, MONDO:0011474, OMIM 604559.

Allele frequency attached by ClinVar (database versions not stated): gnomAD 0.00001; gnomAD exomes 0.00001; TOPMed 0.00001; ExAC 0.00001.
gnomAD v4.1: 87 of 1,612,976 alleles (0.0054%); highest among the groups gnomAD compares: Non-Finnish European, 0.0074%; no homozygotes.

Submissions (3):

Labcorp Genetics (formerly Invitae), Labcorp
Classification: Uncertain significance for Progressive familial heart block type IB. Last evaluated: 2025-11-16. Review status: criteria provided, single submitter. Criteria: Invitae Variant Classification Sherloc (09022015). Collection method: clinical testing. Allele origin: germline.
Comment: This sequence change replaces arginine, which is basic and polar, with glycine, which is neutral and non-polar, at codon 336 of the TRPM4 protein (p.Arg336Gly). This variant is present in population databases (rs748424780, gnomAD 0.002%). This variant has not been reported in the literature in individuals affected with TRPM4-related conditions. ClinVar contains an entry for this variant (Variation ID: 894243). An algorithm developed to predict the effect of missense changes on protein structure and function (PolyPhen-2) suggests that this variant is likely to be tolerated. In summary, the available evidence is currently insufficient to determine the role of this variant in disease. Therefore, it has been classified as a Variant of Uncertain Significance.

Ambry Genetics
Classification: Uncertain significance for Cardiovascular phenotype. Last evaluated: 2021-06-30. Review status: criteria provided, single submitter. Criteria: Ambry Variant Classification Scheme 2023. Collection method: clinical testing. Allele origin: germline.
Comment: The p.R336G variant (also known as c.1006A>G), located in coding exon 8 of the TRPM4 gene, results from an A to G substitution at nucleotide position 1006. The arginine at codon 336 is replaced by glycine, an amino acid with dissimilar properties. This amino acid position is conserved. In addition, this alteration is predicted to be tolerated by in silico analysis. Since supporting evidence is limited at this time, the clinical significance of this alteration remains unclear.

Illumina Laboratory Services, Illumina
Classification: Uncertain significance for Progressive familial heart block type IB. Last evaluated: 2018-01-13. Review status: criteria provided, single submitter. Criteria: ICSL Variant Classification Criteria 13 December 2019. Collection method: clinical testing. Allele origin: germline.

NM_017636.4(TRPM4):c.1006A>G (p.Arg336Gly)

Gene: TRPM4 (transient receptor potential cation channel subfamily M member 4; plus strand). Cytogenetic location: 19q13.33.
Variant type: single nucleotide variant.
Coding change: c.1006A>G on transcript NM_017636.4 (MANE Select); coding-DNA position 1006, A replaced by G.
Protein change: p.Arg336Gly; replaces arginine 336 with glycine.
Molecular consequence: missense variant. On other transcripts: 5 prime UTR variant (1).
Genome position (GRCh38, 1-based): chr19:49,171,725, A>G. VCF-style: chr19-49171725-A-G. GRCh37 (hg19) VCF-style: chr19-49674982-A-G.
Other names: c.1006A>G, p.Arg336Gly (NM_001195227.2); c.661A>G, p.Arg221Gly (NM_001321281.2); c.-548A>G (NM_001321282.2); c.484A>G, p.Arg162Gly (NM_001321283.2); c.157A>G, p.Arg53Gly (NM_001321285.2); short protein forms R336G, R53G, R162G, R221G.
Identifiers: ClinVar variation 894243 (VCV000894243.8), dbSNP rs748424780, ClinGen allele CA9569039.
Genomic context (GRCh38, chr19:49,171,725, plus strand): 5'-GAAGACACTCTGGCCCCAGGGAGTGGGGGAGCCAGGCAAGGCGAAGCCCGAGATCGAATC[A>G]GGCGTTTCTTTCCCAAAGGGGACCTTGAGGTCCTGCAGGCCCAGGTATGACACTGGGGGC-3'
Protein context (NP_060106.2, residues 326-346): ARQGEARDRI[Arg336Gly]RFFPKGDLEV